The following is an entry in ClinVar:

ClinVar aggregate classification (germline): Likely pathogenic (1 of 4 stars; one submission).

Submission:

Labcorp Genetics (formerly Invitae), Labcorp
Classification: Likely pathogenic. Last evaluated: 2019-04-06. Review status: criteria provided, single submitter. Criteria: Invitae Variant Classification Sherloc (09022015). Collection method: clinical testing. Allele origin: germline.
Comment: In summary, the currently available evidence indicates that the variant is pathogenic, but additional data are needed to prove that conclusively. Therefore, this variant has been classified as Likely Pathogenic. This variant disrupts the p.Pro262 amino acid residue in AQP2. Other variant(s) that disrupt this residue have been determined to be pathogenic (PMID: 9550615, 15509592, 22778181, 18431594, 27641679). This suggests that this residue is clinically significant, and that variants that disrupt this residue are likely to be disease-causing. This variant has not been reported in the literature in individuals with AQP2-related conditions. This variant is not present in population databases (ExAC no frequency). This sequence change results in a premature translational stop signal in the AQP2 gene (p.Ser256*). While this is not anticipated to result in nonsense mediated decay, it is expected to disrupt the last 16 amino acids of the AQP2 protein.

Literature cited by the submitters: PubMed 9550615; PubMed 15509592; PubMed 22778181; PubMed 18431594; PubMed 27641679.

NM_000486.6(AQP2):c.767C>A (p.Ser256Ter)

Genes: AQP2 (aquaporin 2; plus strand), AQP5-AS1 (AQP5 and AQP2 antisense RNA 2; minus strand). Cytogenetic location: 12q13.12.
Variant type: single nucleotide variant.
Coding change: c.767C>A on transcript NM_000486.6 (MANE Select); coding-DNA position 767, C replaced by A.
Protein change: p.Ser256Ter; replaces serine 256 with a stop codon.
Molecular consequence: nonsense.
Genome position (GRCh38, 1-based): chr12:49,955,559, C>A. VCF-style: chr12-49955559-C-A. GRCh37 (hg19) VCF-style: chr12-50349342-C-A.
Other names: short protein forms S256*.
Identifiers: ClinVar variation 849994 (VCV000849994.9), dbSNP rs1947361964, ClinGen allele CA384776102.